The following is an entry in ClinVar:

ClinVar aggregate classification (germline): Uncertain significance (1 of 4 stars; one submission).

Conditions:
Immunodeficiency, common variable, 10. Also called: IMMUNODEFICIENCY, COMMON VARIABLE, WITH CENTRAL ADRENAL INSUFFICIENCY; DEFICIT IN ANTERIOR PITUITARY FUNCTION AND VARIABLE IMMUNODEFICIENCY. Identifiers: MedGen C3809991, MONDO:0014260, OMIM 615577.

Allele frequency attached by ClinVar (database versions not stated): gnomAD exomes below 0.00001.

Submission:

Labcorp Genetics (formerly Invitae), Labcorp
Classification: Uncertain significance for Immunodeficiency, common variable, 10. Last evaluated: 2021-09-15. Review status: criteria provided, single submitter. Criteria: Invitae Variant Classification Sherloc (09022015). Collection method: clinical testing. Allele origin: germline.
Comment: Algorithms developed to predict the effect of missense changes on protein structure and function (SIFT, PolyPhen-2, Align-GVGD) all suggest that this variant is likely to be tolerated. In summary, the available evidence is currently insufficient to determine the role of this variant in disease. Therefore, it has been classified as a Variant of Uncertain Significance. This variant has not been reported in the literature in individuals affected with NFKB2-related conditions. This sequence change replaces glycine with aspartic acid at codon 881 of the NFKB2 protein (p.Gly881Asp). The glycine residue is weakly conserved and there is a moderate physicochemical difference between glycine and aspartic acid. This variant is not present in population databases (ExAC no frequency).

NM_001322934.2(NFKB2):c.2642G>A (p.Gly881Asp)

Gene: NFKB2 (nuclear factor kappa B subunit 2; plus strand). Cytogenetic location: 10q24.32.
Variant type: single nucleotide variant.
Coding change: c.2642G>A on transcript NM_001322934.2 (MANE Select); coding-DNA position 2642, G replaced by A.
Protein change: p.Gly881Asp; replaces glycine 881 with aspartic acid.
Molecular consequence: missense variant.
Genome position (GRCh38, 1-based): chr10:102,402,315, G>A. VCF-style: chr10-102402315-G-A. GRCh37 (hg19) VCF-style: chr10-104162072-G-A.
Other names: c.2642G>A, p.Gly881Asp (NM_001077494.3); c.2639G>A, p.Gly880Asp (NM_001261403.3, NM_001288724.1, NM_002502.6); c.2516G>A, p.Gly839Asp (NM_001322935.1); short protein forms G881D, G880D, G839D.
Identifiers: ClinVar variation 1427353 (VCV001427353.6), dbSNP rs1224394326, ClinGen allele CA377906431.